The following is an entry in ClinVar:

NM_006361.6(HOXB13):c.253G>A (p.Gly85Ser)

Gene: HOXB13 (homeobox B13; minus strand). Cytogenetic location: 17q21.32.
Variant type: single nucleotide variant.
Coding change: c.253G>A on transcript NM_006361.6 (MANE Select); coding-DNA position 253, G replaced by A.
Protein change: p.Gly85Ser; replaces glycine 85 with serine.
Molecular consequence: missense variant.
Genome position (GRCh38, 1-based): chr17:48,728,341, C>T on the plus strand (G>A on the coding strand, the complement: HOXB13 is on the minus strand). VCF-style: chr17-48728341-C-T. GRCh37 (hg19) VCF-style: chr17-46805703-C-T.
Other names: short protein forms G85S.
Identifiers: ClinVar variation 483522 (VCV000483522.14), dbSNP rs529392210, ClinGen allele CA8634033.

ClinVar aggregate classification (germline): Uncertain significance. Review status: criteria provided, multiple submitters, no conflicts (2 of 4 stars). 4 submissions from 4 submitters: Uncertain significance (4). Last evaluated 2025-11-11.

Conditions:
Hereditary cancer-predisposing syndrome. Also called: Neoplastic Syndromes, Hereditary; Tumor predisposition; Hereditary Cancer Syndrome; Hereditary neoplastic syndrome. Identifiers: Orphanet 140162, MedGen C0027672, MeSH D009386, MONDO:0015356.

Allele frequency attached by ClinVar (database versions not stated): gnomAD exomes below 0.00001 and 0.00001; ExAC 0.00001; gnomAD 0.00001; 1000 Genomes Project 30x 0.00016; 1000 Genomes Project 0.00020.
gnomAD v4.1: 3 of 1,614,032 alleles (0.00019%); highest among the groups gnomAD compares: Admixed American, 0.0033%; no homozygotes.

Submissions (4):

Labcorp Genetics (formerly Invitae), Labcorp
Classification: Uncertain significance. Last evaluated: 2025-11-11. Review status: criteria provided, single submitter. Criteria: Invitae Variant Classification Sherloc (09022015). Collection method: clinical testing. Allele origin: germline.
Comment: This sequence change replaces glycine, which is neutral and non-polar, with serine, which is neutral and polar, at codon 85 of the HOXB13 protein (p.Gly85Ser). This variant is present in population databases (rs529392210, gnomAD 0.006%). This variant has not been reported in the literature in individuals affected with HOXB13-related conditions. ClinVar contains an entry for this variant (Variation ID: 483522). Invitae Evidence Modeling of protein sequence and biophysical properties (such as structural, functional, and spatial information, amino acid conservation, physicochemical variation, residue mobility, and thermodynamic stability) indicates that this missense variant is not expected to disrupt HOXB13 protein function with a negative predictive value of 80%. In summary, the available evidence is currently insufficient to determine the role of this variant in disease. Therefore, it has been classified as a Variant of Uncertain Significance.

Ambry Genetics
Classification: Uncertain significance for Hereditary cancer-predisposing syndrome. Last evaluated: 2024-01-11. Review status: criteria provided, single submitter. Criteria: Ambry Variant Classification Scheme 2023. Collection method: clinical testing. Allele origin: germline.
Comment: The p.G85S variant (also known as c.253G>A), located in coding exon 1 of the HOXB13 gene, results from a G to A substitution at nucleotide position 253. The glycine at codon 85 is replaced by serine, an amino acid with similar properties. This amino acid position is highly conserved through reptiles but not in all available vertebrate species. In addition, this alteration is predicted to be tolerated by in silico analysis. Since supporting evidence is limited at this time, the clinical significance of this alteration remains unclear.

GeneDx
Classification: Uncertain significance. Last evaluated: 2022-11-11. Review status: criteria provided, single submitter. Criteria: GeneDx Variant Classification Process June 2021. Collection method: clinical testing. Allele origin: germline. Affected: yes.
Comment: Not observed at significant frequency in large population cohorts (gnomAD); In silico analysis supports that this missense variant does not alter protein structure/function; Has not been previously published as pathogenic or benign to our knowledge; This variant is associated with the following publications: (PMID: 28272408, 15617687)

Sema4
Classification: Uncertain significance for Hereditary cancer-predisposing syndrome. Last evaluated: 2021-04-03. Review status: criteria provided, single submitter. Criteria: Sema4 Curation Guidelines. Collection method: curation. Allele origin: germline.
Comment: The HOXB13 c.253G>A (p.G85S) variant has not been reported in the literature to our knowledge. It was observed in 2/34572 chromosomes of the Latino subpopulation in the Genome Aggregation Database. The variant has been reported in ClinVar (Variation ID: 483522). In silico tools suggest the impact of the variant on protein function is benign, though these predictions have not been confirmed by functional studies. The evidence is insufficient to meet ACMG/AMP criteria for classifying the variant as benign or pathogenic. Thus, the clinical significance of this variant is currently uncertain.